The following is an entry in ClinVar:

NM_001323289.2(CDKL5):c.282+5G>A

Gene: CDKL5 (cyclin dependent kinase like 5; plus strand). Cytogenetic location: Xp22.13.
Variant type: single nucleotide variant.
Coding change: c.282+5G>A on transcript NM_001323289.2 (MANE Select); 5 bases into the intron after coding-DNA position 282, G replaced by A.
Molecular consequence: intron variant.
Genome position (GRCh38, 1-based): chrX:18,575,495, G>A. VCF-style: chrX-18575495-G-A. GRCh37 (hg19) VCF-style: chrX-18593615-G-A.
Other names: c.282+5G>A (NM_003159.3, NM_001037343.2).
Identifiers: ClinVar variation 999655 (VCV000999655.9), dbSNP rs1925269123, ClinGen allele CA2417965343.

ClinVar aggregate classification (germline): Uncertain significance. Review status: criteria provided, multiple submitters, no conflicts (2 of 4 stars). 2 submissions from 2 submitters: Uncertain significance (2). Last evaluated 2020-07-12.

Conditions:
Developmental and epileptic encephalopathy, 2 (DEE2). Also called: INFANTILE SPASM SYNDROME, X-LINKED 2; CDKL5 deficiency disorder. Identifiers: Orphanet 1934, Orphanet 3451, Orphanet 505652, MedGen C4750718, MONDO:0010396, OMIM 300672.
Angelman syndrome-like. Identifiers: MedGen CN128785.

Submissions (2):

Labcorp Genetics (formerly Invitae), Labcorp
Classification: Uncertain significance for Developmental and epileptic encephalopathy, 2; Angelman syndrome-like. Last evaluated: 2020-07-12. Review status: criteria provided, single submitter. Criteria: Invitae Variant Classification Sherloc (09022015). Collection method: clinical testing. Allele origin: germline.
Comment: In summary, the available evidence is currently insufficient to determine the role of this variant in disease. Therefore, it has been classified as a Variant of Uncertain Significance. Nucleotide substitutions within the consensus splice site are a relatively common cause of aberrant splicing (PMID: 17576681, 9536098). Algorithms developed to predict the effect of sequence changes on RNA splicing suggest that this variant may disrupt the consensus splice site, but this prediction has not been confirmed by published transcriptional studies. This variant has not been reported in the literature in individuals with CDKL5-related conditions. This variant is not present in population databases (ExAC no frequency). This sequence change falls in intron 5 of the CDKL5 gene. It does not directly change the encoded amino acid sequence of the CDKL5 protein, but it affects a nucleotide within the consensus splice site of the intron.

Juno Genomics, Hangzhou Juno Genomics, Inc
Classification: Uncertain significance for Developmental and epileptic encephalopathy, 2. Review status: criteria provided, single submitter. Criteria: ACMG Guidelines, 2015. Collection method: clinical testing. Allele origin: germline. Affected: yes.
Comment: Absent from controls (or at extremely low frequency if recessive) in Genome Aggregation Database, Exome Sequencing Project, 1000 Genomes Project, or Exome Aggregation Consortium.;Multiple lines of computational evidence support a deleterious effect on the gene or gene product (conservation, evolutionary, splicing impact, etc).;Assumed de novo, but without confirmation of paternity and maternity.

Literature cited by the submitters: PubMed 17576681 (cited by Labcorp Genetics (formerly Invitae), Labcorp); PubMed 9536098 (cited by Labcorp Genetics (formerly Invitae), Labcorp).